The following is an entry in ClinVar:

ClinVar aggregate classification (germline): Conflicting classifications of pathogenicity. Review status: criteria provided, conflicting classifications (1 of 4 stars). 5 submissions from 5 submitters: Uncertain significance (1); Benign (1); Likely benign (2). 1 of the submissions does not count toward it. Last evaluated 2026-01-12.

Conditions:
SPTB-related disorder. Also called: SPTB-Related Disorders; SPTB-related condition.
Inborn genetic diseases. Identifiers: MedGen C0950123, MeSH D030342.

Allele frequency attached by ClinVar (database versions not stated): gnomAD 0.00011; 1000 Genomes Project 0.00020; gnomAD exomes 0.00022 and 0.00113; 1000 Genomes Project 30x 0.00047; TOPMed 0.00060; ExAC 0.00099.
gnomAD v4.1: 332 of 1,613,876 alleles (0.021%); highest among the groups gnomAD compares: Admixed American, 0.54%; 3 homozygotes.

Submissions (5):

Labcorp Genetics (formerly Invitae), Labcorp
Classification: Benign. Last evaluated: 2026-01-12. Review status: criteria provided, single submitter. Criteria: Invitae Variant Classification Sherloc (09022015). Collection method: clinical testing. Allele origin: germline.

ARUP Laboratories, Molecular Genetics and Genomics, ARUP Laboratories
Classification: Likely benign. Last evaluated: 2025-03-11. Review status: criteria provided, single submitter. Criteria: ARUP Molecular Germline Variant Investigation Process 2024. Collection method: clinical testing. Allele origin: germline.

Mayo Clinic Laboratories, Mayo Clinic
Classification: Likely benign. Last evaluated: 2025-02-19. Review status: criteria provided, single submitter. Criteria: ACMG Guidelines, 2015. Collection method: clinical testing. Allele origin: germline. Observed: 4 variant alleles.
Comment: BS1, BS2, BP4_strong

Ambry Genetics
Classification: Uncertain significance for Inborn genetic diseases. Last evaluated: 2023-12-19. Review status: criteria provided, single submitter. Criteria: Ambry Variant Classification Scheme 2023. Collection method: clinical testing. Allele origin: germline.

PreventionGenetics, part of Exact Sciences
Classification: Likely benign for SPTB-related condition. Last evaluated: 2020-06-05. Review status: no assertion criteria provided. Collection method: clinical testing. Allele origin: germline. Not counted in ClinVar's aggregate classification.
Comment: This variant is classified as likely benign based on ACMG/AMP sequence variant interpretation guidelines (Richards et al. 2015 PMID: 25741868, with internal and published modifications).

NM_001355436.2(SPTB):c.4511C>T (p.Ala1504Val)

Gene: SPTB (spectrin beta, erythrocytic; minus strand). Cytogenetic location: 14q23.3.
Variant type: single nucleotide variant.
Coding change: c.4511C>T on transcript NM_001355436.2 (MANE Select); coding-DNA position 4511, C replaced by T.
Protein change: p.Ala1504Val; replaces alanine 1504 with valine.
Molecular consequence: missense variant.
Genome position (GRCh38, 1-based): chr14:64,779,209, G>A on the plus strand (C>T on the coding strand, the complement: SPTB is on the minus strand). VCF-style: chr14-64779209-G-A. GRCh37 (hg19) VCF-style: chr14-65245927-G-A.
Other names: p.Ala1504Val; c.4511C>T, p.Ala1504Val (NM_001355437.2, NM_001024858.4); c.4511C>T (NM_001024858.2); short protein forms A1504V.
Identifiers: ClinVar variation 313729 (VCV000313729.24), dbSNP rs200876438, ClinGen allele CA7230289.